The following is an entry in ClinVar:

ClinVar aggregate classification (germline): Uncertain significance (1 of 4 stars; one submission).

Conditions:
Hereditary breast ovarian cancer syndrome. Also called: Hereditary breast and ovarian cancer syndrome (HBOC); Hereditary breast and/or ovarian cancer syndrome; Hereditary breast and ovarian cancer syndrome; Breast and ovarian cancer; Hereditary breast and ovarian cancer; BRCA1- and BRCA2-Associated Hereditary Breast and Ovarian Cancer. Identifiers: Orphanet 145, MedGen C0677776, MeSH D061325, MONDO:0003582. Disease mechanism: loss of function.

Submission:

Labcorp Genetics (formerly Invitae), Labcorp
Classification: Uncertain significance for Hereditary breast ovarian cancer syndrome. Last evaluated: 2023-09-11. Review status: criteria provided, single submitter. Criteria: Invitae Variant Classification Sherloc (09022015). Collection method: clinical testing. Allele origin: germline.
Comment: In summary, the available evidence is currently insufficient to determine the role of this variant in disease. Therefore, it has been classified as a Variant of Uncertain Significance. Experimental studies and prediction algorithms are not available or were not evaluated, and the functional significance of this variant is currently unknown. This variant has not been reported in the literature in individuals affected with BRCA1-related conditions. This variant is not present in population databases (gnomAD no frequency). This variant, c.1565_1735del, results in the deletion of 57 amino acid(s) of the BRCA1 protein (p.Asp522_Ser578del), but otherwise preserves the integrity of the reading frame.

NM_007294.4(BRCA1):c.1565_1735del (p.Asp522_Ser578del)

Gene: BRCA1 (BRCA1 DNA repair associated; minus strand). Cytogenetic location: 17q21.31.
Variant type: Deletion.
Coding change: c.1565_1735del on transcript NM_007294.4 (MANE Select); coding-DNA positions 1565 to 1735, 171 bases deleted.
Protein change: p.Asp522_Ser578del.
Molecular consequence: inframe deletion. On other transcripts: intron variant (137).
Genome position (GRCh38, 1-based): chr17:43,093,796-43,093,966, 171 bases deleted. GRCh37 (hg19): chr17:41,245,814-41,245,984.
Other names: c.406+778_406+948del (NM_001408510.1); c.643+778_643+948del (NM_001408470.1, NM_001408464.1, NM_001408468.1 and 3 more transcripts); c.646+778_646+948del (NM_001408469.1, NM_001408453.1, NM_001408461.1 and 11 more transcripts); c.784+778_784+948del (NM_001408397.1, NM_001408401.1, NM_001408396.1 and 13 more transcripts); c.664+778_664+948del (NM_001408436.1, NM_001408444.1, NM_001408438.1 and 12 more transcripts); c.523+778_523+948del (NM_001408498.1, NM_001408501.1, NM_001408500.1 and 3 more transcripts); c.787+778_787+948del (NM_001407993.1, NM_001407976.1, NM_001407980.1 and 19 more transcripts); c.652+778_652+948del (NM_001408451.1); and 40 more.
Identifiers: ClinVar variation 2760188 (VCV002760188.3), dbSNP rs2552199323, ClinGen allele CA2697554272.